The following is an entry in ClinVar:

NM_000051.4(ATM):c.8193C>A (p.Val2731=)

Genes: ATM (ATM serine/threonine kinase; plus strand), C11orf65 (chromosome 11 open reading frame 65; minus strand). Cytogenetic location: 11q22.3.
Variant type: single nucleotide variant.
Coding change: c.8193C>A on transcript NM_000051.4 (MANE Select); coding-DNA position 8193, C replaced by A.
Protein change: p.Val2731=; no amino-acid change (valine 2731 retained).
Molecular consequence: synonymous variant. On other transcripts: intron variant (2).
Genome position (GRCh38, 1-based): chr11:108,335,886, C>A. VCF-style: chr11-108335886-C-A. GRCh37 (hg19) VCF-style: chr11-108206613-C-A.
Other names: c.8193C>A, p.Val2731= (NM_001351834.2); c.641-26815G>T (NM_001330368.2); c.695-594G>T (NM_001351110.2).
Identifiers: ClinVar variation 414602 (VCV000414602.19), dbSNP rs1060504307, ClinGen allele CA16613212.

ClinVar aggregate classification (germline): Benign/Likely benign. Review status: criteria provided, multiple submitters, no conflicts (2 of 4 stars). 4 submissions from 4 submitters: Benign (1); Likely benign (3). Last evaluated 2025-12-15.

Conditions:
Hereditary cancer-predisposing syndrome. Also called: Neoplastic Syndromes, Hereditary; Hereditary Cancer Syndrome; Tumor predisposition; Hereditary neoplastic syndrome. Identifiers: Orphanet 140162, MedGen C0027672, MeSH D009386, MONDO:0015356.
Ataxia-telangiectasia syndrome (AT). Also called: LOUIS-BAR SYNDROME; Cerebello-oculocutaneous telangiectasia; Immunodeficiency with ataxia telangiectasia; Ataxia-telangiectasia, complementation group D; AT, COMPLEMENTATION GROUP C; Ataxia-telangiectasia, complementation group E. Identifiers: Orphanet 100, MedGen C0004135, MONDO:0008840, OMIM 208900.
Familial cancer of breast. Also called: Hereditary breast cancer; BREAST CANCER, FAMILIAL; hereditary breast carcinoma. Identifiers: Orphanet 227535, MedGen C0346153, MONDO:0016419, OMIM 114480. Disease mechanism: loss of function.

Allele frequency attached by ClinVar (database versions not stated): gnomAD exomes below 0.00001.
gnomAD v4.1: 1 of 1,613,960 alleles (0.000062%); highest among the groups gnomAD compares: Non-Finnish European, 0.000085%; no homozygotes.

Submissions (4):

Labcorp Genetics (formerly Invitae), Labcorp
Classification: Likely benign for Ataxia-telangiectasia syndrome. Last evaluated: 2025-12-15. Review status: criteria provided, single submitter. Criteria: Invitae Variant Classification Sherloc (09022015). Collection method: clinical testing. Allele origin: germline.

Myriad Genetics, Inc.
Classification: Benign for Familial cancer of breast. Last evaluated: 2024-06-18. Review status: criteria provided, single submitter. Criteria: Myriad Autosomal Dominant, Autosomal Recessive and X-Linked Classification Criteria (2023). Collection method: clinical testing. Allele origin: unknown.
Comment: This variant is considered benign. This variant is a silent/synonymous amino acid change and it is not expected to impact splicing.

Ambry Genetics
Classification: Likely benign for Hereditary cancer-predisposing syndrome. Last evaluated: 2019-05-13. Review status: criteria provided, single submitter. Criteria: Ambry Variant Classification Scheme 2023. Collection method: clinical testing. Allele origin: germline.

Color Diagnostics, LLC DBA Color Health
Classification: Likely benign for Hereditary cancer-predisposing syndrome. Last evaluated: 2018-04-03. Review status: criteria provided, single submitter. Criteria: ACMG Guidelines, 2015. Collection method: clinical testing. Allele origin: germline.